The following is an entry in ClinVar:

NM_007294.4(BRCA1):c.51T>A (p.Ala17=)

Gene: BRCA1 (BRCA1 DNA repair associated; minus strand). Cytogenetic location: 17q21.31.
Variant type: single nucleotide variant.
Coding change: c.51T>A on transcript NM_007294.4 (MANE Select); coding-DNA position 51, T replaced by A.
Protein change: p.Ala17=; no amino-acid change (alanine 17 retained).
Molecular consequence: synonymous variant. On other transcripts: 5 prime UTR variant (136), intron variant (36).
Genome position (GRCh38, 1-based): chr17:43,124,046, A>T on the plus strand (T>A on the coding strand, the complement: BRCA1 is on the minus strand). VCF-style: chr17-43124046-A-T. GRCh37 (hg19) VCF-style: chr17-41276063-A-T.
Other names: c.-138T>A (NM_001407571.1, NM_001407853.1, NM_001407879.1 and 46 more transcripts); c.51T>A, p.Ala17= (NM_001407581.1, NM_001407582.1, NM_001407583.1 and 193 more transcripts); c.-207T>A (NM_001407694.1, NM_001407724.1, NM_001407727.1 and 11 more transcripts); c.-211T>A (NM_001407695.1, NM_001408465.1); c.-352T>A (NM_001407696.1); c.-236T>A (NM_001407697.1, NM_001407846.1, NM_001407920.1); c.-37T>A (NM_001407698.1, NM_001407732.1, NM_001407736.1 and 23 more transcripts); c.-210T>A (NM_001407725.1, NM_001407730.1, NM_001407734.1 and 22 more transcripts); and 23 more.
Identifiers: ClinVar variation 869099 (VCV000869099.3), dbSNP rs2055727513, ClinGen allele CA500131424.

Conditions:
Breast-ovarian cancer, familial, susceptibility to, 1 (BROVCA1). Also called: BRCA1 Hereditary Breast and Ovarian Cancer; OVARIAN CANCER, SUSCEPTIBILITY TO. Identifiers: Orphanet 145, MedGen C2676676, MONDO:0011450, OMIM 604370. Disease mechanism: loss of function.

gnomAD v4.1: 2 of 1,613,804 alleles (0.00012%); highest among the groups gnomAD compares: Non-Finnish European, 0.00017%; no homozygotes.

Submission:

Brotman Baty Institute, University of Washington
No classification provided (evidence only). Condition: Breast-ovarian cancer, familial 1. Review status: no classification provided. Collection method: in vitro. Allele origin: not applicable. Functional consequence: functionally_normal.
ClinVar note: "not provided" was previously submitted as the classification for the variant. However, the classification appeared to be based only on an observation of functional data so it was converted to no classification on 2025-07-30.